The following is an entry in ClinVar:

NM_005045.4(RELN):c.6927T>G (p.Asp2309Glu)

Gene: RELN (reelin; minus strand). Cytogenetic location: 7q22.1.
Variant type: single nucleotide variant.
Coding change: c.6927T>G on transcript NM_005045.4 (MANE Select); coding-DNA position 6927, T replaced by G.
Protein change: p.Asp2309Glu; replaces aspartic acid 2309 with glutamic acid.
Molecular consequence: missense variant.
Genome position (GRCh38, 1-based): chr7:103,540,200, A>C on the plus strand (T>G on the coding strand, the complement: RELN is on the minus strand). VCF-style: chr7-103540200-A-C. GRCh37 (hg19) VCF-style: chr7-103180647-A-C.
Other names: c.6927T>G, p.Asp2309Glu (NM_173054.3); short protein forms D2309E.
Identifiers: ClinVar variation 1470451 (VCV001470451.6), dbSNP rs779047538, ClinGen allele CA368769655.

ClinVar aggregate classification (germline): Uncertain significance (1 of 4 stars; one submission).

Conditions:
Norman-Roberts syndrome (LIS2). Also called: Lissencephaly 2 (Norman-Roberts type). Identifiers: Orphanet 89844, MedGen C0796089, MONDO:0009760, OMIM 257320.
Familial temporal lobe epilepsy 7. Identifiers: Orphanet 101046, MedGen C4225327, MONDO:0014639, OMIM 616436.

Submission:

Labcorp Genetics (formerly Invitae), Labcorp
Classification: Uncertain significance for Familial temporal lobe epilepsy 7; Norman-Roberts syndrome. Last evaluated: 2023-12-06. Review status: criteria provided, single submitter. Criteria: Invitae Variant Classification Sherloc (09022015). Collection method: clinical testing. Allele origin: germline.
Comment: This sequence change replaces aspartic acid, which is acidic and polar, with glutamic acid, which is acidic and polar, at codon 2309 of the RELN protein (p.Asp2309Glu). This variant is not present in population databases (gnomAD no frequency). This variant has not been reported in the literature in individuals affected with RELN-related conditions. ClinVar contains an entry for this variant (Variation ID: 1470451). Advanced modeling of protein sequence and biophysical properties (such as structural, functional, and spatial information, amino acid conservation, physicochemical variation, residue mobility, and thermodynamic stability) performed at Invitae indicates that this missense variant is not expected to disrupt RELN protein function with a negative predictive value of 80%. In summary, the available evidence is currently insufficient to determine the role of this variant in disease. Therefore, it has been classified as a Variant of Uncertain Significance.